The following is an entry in ClinVar:

ClinVar aggregate classification (germline): Likely benign. Review status: criteria provided, multiple submitters, no conflicts (2 of 4 stars). 2 submissions from 2 submitters: Likely benign (2). Last evaluated 2018-06-14.

Allele frequency attached by ClinVar (database versions not stated): gnomAD 0.01902 and 0.02172; TOPMed 0.02219; 1000 Genomes Project 30x 0.04044; 1000 Genomes Project 0.04173.
gnomAD v4.1: 32,002 of 1,107,020 alleles (2.9%); highest among the groups gnomAD compares: East Asian, 17%; 991 homozygotes.

Submissions (2):

GeneDx
Classification: Likely benign. Last evaluated: 2018-06-14. Review status: criteria provided, single submitter. Criteria: GeneDx Variant Classification (06012015). Collection method: clinical testing. Allele origin: germline. Affected: yes.
Comment: This variant is considered likely benign or benign based on one or more of the following criteria: it is a conservative change, it occurs at a poorly conserved position in the protein, it is predicted to be benign by multiple in silico algorithms, and/or has population frequency not consistent with disease.

Breakthrough Genomics
Classification: Likely benign. Review status: criteria provided, single submitter. Criteria: ACMG Guidelines, 2015. Collection method: not provided. Allele origin: germline. Inheritance: Autosomal dominant inheritance. Affected: yes.

NM_001040151.2(SCN3B):c.584+130C>T

Gene: SCN3B (sodium voltage-gated channel beta subunit 3; minus strand). Cytogenetic location: 11q24.1.
Variant type: single nucleotide variant.
Coding change: c.584+130C>T on transcript NM_001040151.2 (MANE Select); 130 bases into the intron after coding-DNA position 584, C replaced by T.
Molecular consequence: intron variant.
Genome position (GRCh38, 1-based): chr11:123,638,056, G>A on the plus strand (C>T on the coding strand, the complement: SCN3B is on the minus strand). VCF-style: chr11-123638056-G-A. GRCh37 (hg19) VCF-style: chr11-123508764-G-A.
Other names: c.584+130C>T (NM_018400.4).
Identifiers: ClinVar variation 670949 (VCV000670949.2), dbSNP rs2276022, ClinGen allele CA229976429.